The following is an entry in ClinVar:

NM_001363711.2(DUOX2):c.4571A>G (p.Lys1524Arg)

Gene: DUOX2 (dual oxidase 2; minus strand). Cytogenetic location: 15q21.1.
Variant type: single nucleotide variant.
Coding change: c.4571A>G on transcript NM_001363711.2 (MANE Select); coding-DNA position 4571, A replaced by G.
Protein change: p.Lys1524Arg; replaces lysine 1524 with arginine.
Molecular consequence: missense variant.
Genome position (GRCh38, 1-based): chr15:45,094,226, T>C on the plus strand (A>G on the coding strand, the complement: DUOX2 is on the minus strand). VCF-style: chr15-45094226-T-C. GRCh37 (hg19) VCF-style: chr15-45386424-T-C.
Other names: c.4571A>G, p.Lys1524Arg (NM_014080.5); short protein forms K1524R.
Identifiers: ClinVar variation 4700867 (VCV004700867.1).
Genomic context (GRCh38, chr15:45,094,226, plus strand): 5'-TGGTGCATGAAGTGGGCTCGGTCCTGCCTGTTGACGAGCTGACAGGCCTTCTCTACATTC[T>C]TGGTCATTCCTGGAGGGCCGCAGCTGAACACCCCGATCTTGCGCACCTGTCAGGAGATTG-3'
Protein context (NP_001350640.1, residues 1514-1534): VFSCGPPGMT[Lys1524Arg]NVEKACQLVN

ClinVar aggregate classification (germline): Uncertain significance (1 of 4 stars; one submission).

gnomAD v4.1: 3 of 1,614,134 alleles (0.00019%); highest among the groups gnomAD compares: Non-Finnish European, 0.00025%; no homozygotes.

Submission:

Labcorp Genetics (formerly Invitae), Labcorp
Classification: Uncertain significance. Last evaluated: 2026-01-07. Review status: criteria provided, single submitter. Criteria: Invitae Variant Classification Sherloc (09022015). Collection method: clinical testing. Allele origin: germline.
Comment: This sequence change replaces lysine, which is basic and polar, with arginine, which is basic and polar, at codon 1524 of the DUOX2 protein (p.Lys1524Arg). This variant is present in population databases (rs763614376, gnomAD 0.0009%). This variant has not been reported in the literature in individuals affected with DUOX2-related conditions. Invitae Evidence Modeling of protein sequence and biophysical properties (such as structural, functional, and spatial information, amino acid conservation, physicochemical variation, residue mobility, and thermodynamic stability) indicates that this missense variant is not expected to disrupt DUOX2 protein function with a negative predictive value of 95%. In summary, the available evidence is currently insufficient to determine the role of this variant in disease. Therefore, it has been classified as a Variant of Uncertain Significance.